The following is an entry in ClinVar:

ClinVar aggregate classification (germline): Uncertain significance (1 of 4 stars; one submission).

Conditions:
Familial cancer of breast. Also called: hereditary breast carcinoma; BREAST CANCER, FAMILIAL; Hereditary breast cancer. Identifiers: Orphanet 227535, MedGen C0346153, MONDO:0016419, OMIM 114480. Disease mechanism: loss of function.

Submission:

Labcorp Genetics (formerly Invitae), Labcorp
Classification: Uncertain significance for Familial cancer of breast. Last evaluated: 2025-05-05. Review status: criteria provided, single submitter. Criteria: Invitae Variant Classification Sherloc (09022015). Collection method: clinical testing. Allele origin: germline.
Comment: This sequence change replaces proline, which is neutral and non-polar, with serine, which is neutral and polar, at codon 191 of the PALB2 protein (p.Pro191Ser). This variant is not present in population databases (gnomAD no frequency). This variant has not been reported in the literature in individuals affected with PALB2-related conditions. ClinVar contains an entry for this variant (Variation ID: 2901670). An algorithm developed to predict the effect of missense changes on protein structure and function outputs the following: PolyPhen-2: "Possibly Damaging". The serine amino acid residue is found in multiple mammalian species, which suggests that this missense change does not adversely affect protein function. In summary, the available evidence is currently insufficient to determine the role of this variant in disease. Therefore, it has been classified as a Variant of Uncertain Significance.

NM_024675.4(PALB2):c.571C>T (p.Pro191Ser)

Gene: PALB2 (partner and localizer of BRCA2; minus strand). Cytogenetic location: 16p12.2.
Variant type: single nucleotide variant.
Coding change: c.571C>T on transcript NM_024675.4 (MANE Select); coding-DNA position 571, C replaced by T.
Protein change: p.Pro191Ser; replaces proline 191 with serine.
Molecular consequence: missense variant. On other transcripts: 5 prime UTR variant (8), intron variant (3).
Genome position (GRCh38, 1-based): chr16:23,635,975, G>A on the plus strand (C>T on the coding strand, the complement: PALB2 is on the minus strand). VCF-style: chr16-23635975-G-A. GRCh37 (hg19) VCF-style: chr16-23647296-G-A.
Other names: c.511C>T, p.Pro171Ser (NM_001407296.1); c.571C>T, p.Pro191Ser (NM_001407297.1, NM_001407298.1, NM_001407299.1 and 3 more transcripts); c.-315C>T (NM_001407304.1, NM_001407305.1, NM_001407306.1 and 5 more transcripts); c.48+5135C>T (NM_001407314.1); c.-105+5135C>T (NM_001407313.1, NM_001407312.1); short protein forms P171S, P191S.
Identifiers: ClinVar variation 2901670 (VCV002901670.3), dbSNP rs587780221, ClinGen allele CA395136794.
Genomic context (GRCh38, chr16:23,635,975, plus strand): 5'-CTGGAGAATCTGGAAGTTCAGATTTAAGACTTAAAAGGTGAGTTCTTATTTCAGTTACTG[G>A]TGATCTAGCAGGATTTTTGCTACTGATTTCTTCCTGTTCCTTTAGTCTTTTCCCAGACAA-3'
Protein context (NP_078951.2, residues 181-201): EISSKNPARS[Pro191Ser]VTEIRTHLLS